The following is an entry in ClinVar:

NM_006767.4(LZTR1):c.2298G>A (p.Met766Ile)

Gene: LZTR1 (leucine zipper like post translational regulator 1; plus strand). Cytogenetic location: 22q11.21.
Variant type: single nucleotide variant.
Coding change: c.2298G>A on transcript NM_006767.4 (MANE Select); coding-DNA position 2298, G replaced by A.
Protein change: p.Met766Ile; replaces methionine 766 with isoleucine.
Molecular consequence: missense variant.
Genome position (GRCh38, 1-based): chr22:20,996,774, G>A. VCF-style: chr22-20996774-G-A. GRCh37 (hg19) VCF-style: chr22-21351063-G-A.
Other names: short protein forms M766I.
Identifiers: ClinVar variation 1789200 (VCV001789200.8), dbSNP rs754243226, ClinGen allele CA10119332.

ClinVar aggregate classification (germline): Uncertain significance. Review status: criteria provided, multiple submitters, no conflicts (2 of 4 stars). 2 submissions from 2 submitters: Uncertain significance (2). Last evaluated 2025-07-02.

Conditions:
Hereditary cancer-predisposing syndrome. Also called: Hereditary Cancer Syndrome; Hereditary neoplastic syndrome; Tumor predisposition; Neoplastic Syndromes, Hereditary. Identifiers: Orphanet 140162, MedGen C0027672, MeSH D009386, MONDO:0015356.
Cardiovascular phenotype. Identifiers: MedGen CN230736.

Allele frequency attached by ClinVar (database versions not stated): gnomAD exomes below 0.00001; ExAC 0.00001.
gnomAD v4.1: 5 of 1,613,588 alleles (0.00031%); highest among the groups gnomAD compares: South Asian, 0.0022%; no homozygotes.

Submissions (2):

Labcorp Genetics (formerly Invitae), Labcorp
Classification: Uncertain significance. Last evaluated: 2025-07-02. Review status: criteria provided, single submitter. Criteria: Invitae Variant Classification Sherloc (09022015). Collection method: clinical testing. Allele origin: germline.
Comment: This sequence change replaces methionine, which is neutral and non-polar, with isoleucine, which is neutral and non-polar, at codon 766 of the LZTR1 protein (p.Met766Ile). This variant is present in population databases (rs754243226, gnomAD 0.006%). This variant has not been reported in the literature in individuals affected with LZTR1-related conditions. ClinVar contains an entry for this variant (Variation ID: 1789200). Invitae Evidence Modeling of protein sequence and biophysical properties (such as structural, functional, and spatial information, amino acid conservation, physicochemical variation, residue mobility, and thermodynamic stability) indicates that this missense variant is not expected to disrupt LZTR1 protein function with a negative predictive value of 80%. In summary, the available evidence is currently insufficient to determine the role of this variant in disease. Therefore, it has been classified as a Variant of Uncertain Significance.

Ambry Genetics
Classification: Uncertain significance for Cardiovascular phenotype; Hereditary cancer-predisposing syndrome. Last evaluated: 2023-03-02. Review status: criteria provided, single submitter. Criteria: Ambry Variant Classification Scheme 2023. Collection method: clinical testing. Allele origin: germline.
Comment: The p.M766I variant (also known as c.2298G>A), located in coding exon 19 of the LZTR1 gene, results from a G to A substitution at nucleotide position 2298. The methionine at codon 766 is replaced by isoleucine, an amino acid with highly similar properties. This amino acid position is highly conserved in available vertebrate species. In addition, the in silico prediction for this alteration is inconclusive. Since supporting evidence is limited at this time, the clinical significance of this alteration remains unclear.